The following is an entry in ClinVar:

ClinVar aggregate classification (germline): Uncertain significance (1 of 4 stars; one submission).

gnomAD v4.1: 9 of 1,613,964 alleles (0.00056%); highest among the groups gnomAD compares: Admixed American, 0.0017%; no homozygotes.

Submission:

Labcorp Genetics (formerly Invitae), Labcorp
Classification: Uncertain significance. Last evaluated: 2023-05-23. Review status: criteria provided, single submitter. Criteria: Invitae Variant Classification Sherloc (09022015). Collection method: clinical testing. Allele origin: germline.
Comment: The TCF3 gene has multiple clinically relevant transcripts. This variant occurs in alternate transcript NM_001136139.3, and corresponds to NM_003200.4:c.1823-498G>A in the primary transcript. This sequence change replaces arginine, which is basic and polar, with histidine, which is basic and polar, at codon 558 of the TCF3 protein (p.Arg558His). In summary, the available evidence is currently insufficient to determine the role of this variant in disease. Therefore, it has been classified as a Variant of Uncertain Significance. Algorithms developed to predict the effect of sequence changes on RNA splicing suggest that this variant is not likely to affect RNA splicing. Experimental studies and prediction algorithms are not available or were not evaluated, and the functional significance of this variant is currently unknown. ClinVar contains an entry for this variant (Variation ID: 1536298). This variant has not been reported in the literature in individuals affected with TCF3-related conditions. This variant is present in population databases (no rsID available, gnomAD 0.003%).

NM_001136139.4(TCF3):c.1673G>A (p.Arg558His)

Gene: TCF3 (transcription factor 3; minus strand). Cytogenetic location: 19p13.3.
Variant type: single nucleotide variant.
Coding change: c.1673G>A on transcript NM_001136139.4 (MANE Plus Clinical); coding-DNA position 1673, G replaced by A.
Protein change: p.Arg558His; replaces arginine 558 with histidine.
Molecular consequence: missense variant. On other transcripts: intron variant (2).
Genome position (GRCh38, 1-based): chr19:1,612,347, C>T on the plus strand (G>A on the coding strand, the complement: TCF3 is on the minus strand). VCF-style: chr19-1612347-C-T. GRCh37 (hg19) VCF-style: chr19-1612346-C-T.
Other names: c.1673G>A, p.Arg558His (NM_001351779.2); c.1820-498G>A (NM_001351778.2); c.1823-498G>A (NM_003200.5); short protein forms R558H.
Identifiers: ClinVar variation 1536298 (VCV001536298.8), dbSNP rs769011342, ClinGen allele CA403048837.
Genomic context (GRCh38, chr19:1,612,347, plus strand): 5'-TTGAGGTGCATCTGGCACATGCGCCCCAGCTCCCGGAAGGCCTCGTTAATATCCCGCACG[C>T]GCACCCGCTCCCGCGCGTTATTGGCCATGCGCCTCTCCCGGTCCCTCAGGTCTTTCTCCT-3'
Protein context (NP_001129611.1, residues 548-568): RMANNARERV[Arg558His]VRDINEAFRE